The following is an entry in ClinVar:

NM_025137.4(SPG11):c.16G>A (p.Gly6Arg)

Gene: SPG11 (SPG11 vesicle trafficking associated, spatacsin; minus strand). Cytogenetic location: 15q21.1.
Variant type: single nucleotide variant.
Coding change: c.16G>A on transcript NM_025137.4 (MANE Select); coding-DNA position 16, G replaced by A.
Protein change: p.Gly6Arg; replaces glycine 6 with arginine.
Molecular consequence: missense variant.
Genome position (GRCh38, 1-based): chr15:44,663,632, C>T on the plus strand (G>A on the coding strand, the complement: SPG11 is on the minus strand). VCF-style: chr15-44663632-C-T. GRCh37 (hg19) VCF-style: chr15-44955830-C-T.
Other names: c.16G>A, p.Gly6Arg (NM_001160227.2); short protein forms G6R.
Identifiers: ClinVar variation 216771 (VCV000216771.67), dbSNP rs200573434, ClinGen allele CA337596.

ClinVar aggregate classification (germline): Conflicting classifications of pathogenicity. Review status: criteria provided, conflicting classifications (1 of 4 stars). 12 submissions from 12 submitters: Uncertain significance (4); Benign (3); Likely benign (4). 1 of the submissions does not count toward it. Last evaluated 2026-08-01.

Conditions:
SPG11-related disorder. Also called: SPG11-related condition.
Amyotrophic lateral sclerosis type 5 (ALS5). Also called: AMYOTROPHIC LATERAL SCLEROSIS 5, JUVENILE. Identifiers: Orphanet 300605, MedGen C1865864, MONDO:0011196, OMIM 602099.
Hereditary spastic paraplegia. Also called: Familial spastic paraparesis. Identifiers: Orphanet 685, MedGen C0037773, MONDO:0019064. Disease mechanism: loss of function.
Amyotrophic lateral sclerosis (ALS). Also called: Charcot disease; Lou Gehrig disease. Identifiers: Orphanet 803, MedGen C0002736, MONDO:0004976, HP:0007354.
Hereditary spastic paraplegia 11. Also called: SPASTIC PARAPLEGIA, AUTOSOMAL RECESSIVE, COMPLICATED, WITH THIN CORPUS CALLOSUM; SPASTIC PARAPLEGIA, AUTOSOMAL RECESSIVE, WITH MENTAL IMPAIRMENT AND THIN CORPUS CALLOSUM; Spastic Paraplegia 11; Nakamura Osame syndrome; Autosomal recessive hereditary spastic paraplegia, mental impairment, and thin corpus callosum; Spastic paraplegia, mental retardation and thin corpus callosum. Identifiers: Orphanet 2822, MedGen C1858479, MONDO:0011445, OMIM 604360.
Inborn genetic diseases. Identifiers: MedGen C0950123, MeSH D030342.

Allele frequency attached by ClinVar (database versions not stated): 1000 Genomes Project 0.00040; 1000 Genomes Project 30x 0.00047; ESP Exome Variant Server 0.00087; gnomAD exomes 0.00129 and 0.00213; gnomAD 0.00137 and 0.00145; TOPMed 0.00153; ExAC 0.00244.
gnomAD v4.1: 3,285 of 1,595,546 alleles (0.21%); highest among the groups gnomAD compares: Non-Finnish European, 0.25%; 5 homozygotes.

Submissions (12):

CeGaT Center for Human Genetics Tuebingen
Classification: Likely benign. Last evaluated: 2026-08-01. Review status: criteria provided, single submitter. Criteria: CeGaT Center For Human Genetics Tuebingen Variant Classification Criteria Version 2. Collection method: clinical testing. Allele origin: germline. Affected: yes. Observed: 22 variant alleles.
Comment: SPG11: BP4, BS2

Labcorp Genetics (formerly Invitae), Labcorp
Classification: Benign for Hereditary spastic paraplegia 11. Last evaluated: 2026-02-04. Review status: criteria provided, single submitter. Criteria: Invitae Variant Classification Sherloc (09022015). Collection method: clinical testing. Allele origin: germline.

Blueprint Genetics
Classification: Likely benign. Last evaluated: 2024-10-15. Review status: criteria provided, single submitter. Criteria: ACMG Guidelines, 2015. Collection method: clinical testing. Allele origin: germline.

Mayo Clinic Laboratories, Mayo Clinic
Classification: Benign. Last evaluated: 2024-07-26. Review status: criteria provided, single submitter. Criteria: ACMG Guidelines, 2015. Collection method: clinical testing. Allele origin: germline. Observed: 14 variant alleles.
Comment: BS1, BS2, BP4

GeneDx
Classification: Likely benign. Last evaluated: 2021-05-30. Review status: criteria provided, single submitter. Criteria: GeneDx Variant Classification Process June 2021. Collection method: clinical testing. Allele origin: germline. Affected: yes.
Comment: This variant is associated with the following publications: (PMID: 18337587)

UM ALS/MND Lab, University Of Malta
Classification: Uncertain significance for Amyotrophic lateral sclerosis. Last evaluated: 2020-09-09. Review status: criteria provided, single submitter. Criteria: ACMG Guidelines, 2015. Collection method: case-control. Allele origin: unknown. Affected: yes. Observed: 1 variant allele.
Comment: Single heterozygote

Ambry Genetics
Classification: Likely benign for Inborn genetic diseases. Last evaluated: 2020-05-15. Review status: criteria provided, single submitter. Criteria: Ambry Variant Classification Scheme 2023. Collection method: clinical testing. Allele origin: germline.

Baylor Genetics
Classification: Uncertain significance for Amyotrophic lateral sclerosis type 5. Last evaluated: 2018-06-28. Review status: criteria provided, single submitter. Criteria: ACMG Guidelines, 2015. Collection method: clinical testing. Allele origin: unknown. Affected: yes.
Comment: This variant was determined to be of uncertain significance according to ACMG Guidelines, 2015 [PMID:25741868].

Athena Diagnostics
Classification: Benign. Last evaluated: 2018-03-29. Review status: criteria provided, single submitter. Criteria: Athena Diagnostics Criteria. Collection method: clinical testing. Allele origin: germline.

Illumina Laboratory Services, Illumina
Classification: Uncertain significance for Hereditary spastic paraplegia 11. Last evaluated: 2018-01-12. Review status: criteria provided, single submitter. Criteria: ICSL Variant Classification Criteria 13 December 2019. Collection method: clinical testing. Allele origin: germline.

Genome Diagnostics Laboratory, The Hospital for Sick Children
Classification: Uncertain significance for Hereditary spastic paraplegia. Last evaluated: 2016-12-12. Review status: criteria provided, single submitter. Criteria: ACMG Guidelines, 2015. Collection method: clinical testing. Allele origin: germline. Affected: yes.

PreventionGenetics, part of Exact Sciences
Classification: Likely benign for SPG11-related condition. Last evaluated: 2020-04-29. Review status: no assertion criteria provided. Collection method: clinical testing. Allele origin: germline. Not counted in ClinVar's aggregate classification.
Comment: This variant is classified as likely benign based on ACMG/AMP sequence variant interpretation guidelines (Richards et al. 2015 PMID: 25741868, with internal and published modifications).

Literature cited by the submitters: PubMed 32483926 (cited by Mayo Clinic Laboratories, Mayo Clinic); PubMed 18337587 (cited by Athena Diagnostics).